The following is an entry in ClinVar:

NM_004667.6(HERC2):c.8396C>A (p.Ser2799Tyr)

Gene: HERC2 (HECT and RLD domain containing E3 ubiquitin protein ligase 2; minus strand). Cytogenetic location: 15q13.1.
Variant type: single nucleotide variant.
Coding change: c.8396C>A on transcript NM_004667.6 (MANE Select); coding-DNA position 8396, C replaced by A.
Protein change: p.Ser2799Tyr; replaces serine 2799 with tyrosine.
Molecular consequence: missense variant.
Genome position (GRCh38, 1-based): chr15:28,192,016, G>T on the plus strand (C>A on the coding strand, the complement: HERC2 is on the minus strand). VCF-style: chr15-28192016-G-T. GRCh37 (hg19) VCF-style: chr15-28437162-G-T.
Other names: short protein forms S2799Y.
Identifiers: ClinVar variation 3907879 (VCV003907879.1).
Genomic context (GRCh38, chr15:28,192,016, plus strand): 5'-GCTACCTTTCCTTGCGACCCCGATGACTGCCAGCAGGGCTCGCTGCCGTCAATGAGACGG[G>T]ATGCCTGGTTCACGGAGGACGACACATTCAGGCTCTTCACCATGCGGGACCAGCTGTCCA-3'
Protein context (NP_004658.3, residues 2789-2809): LNVSSSVNQA[Ser2799Tyr]RLIDGSEPCW

ClinVar aggregate classification (germline): Uncertain significance (1 of 4 stars; one submission).

gnomAD v4.1: 42 of 1,614,002 alleles (0.0026%); highest among the groups gnomAD compares: South Asian, 0.044%; no homozygotes.

Submission:

GeneDx
Classification: Uncertain significance. Last evaluated: 2024-12-23. Review status: criteria provided, single submitter. Criteria: GeneDx Variant Classification Process June 2021. Collection method: clinical testing. Allele origin: germline. Affected: yes.
Comment: In silico analysis indicates that this missense variant does not alter protein structure/function; Has not been previously published as pathogenic or benign to our knowledge